The following is an entry in ClinVar:

ClinVar aggregate classification (germline): Pathogenic (1 of 4 stars; one submission).

Conditions:
Supravalvar aortic stenosis (SVAS). Also called: Supravalvar aortic stenosis, Eisenberg type. Identifiers: Orphanet 3193, MedGen C0003499, MONDO:0008504, OMIM 185500, HP:0004381.

Submission:

Labcorp Genetics (formerly Invitae), Labcorp
Classification: Pathogenic for Supravalvar aortic stenosis. Last evaluated: 2024-08-30. Review status: criteria provided, single submitter. Criteria: Invitae Variant Classification Sherloc (09022015). Collection method: clinical testing. Allele origin: germline.
Comment: This sequence change replaces leucine, which is neutral and non-polar, with valine, which is neutral and non-polar, at codon 569 of the ELN protein (p.Leu569Val). This variant is not present in population databases (gnomAD no frequency). This missense change has been observed in individual(s) with supravalvular aortic stenosis (internal data). In at least one individual the variant was observed to be de novo. Invitae Evidence Modeling of protein sequence and biophysical properties (such as structural, functional, and spatial information, amino acid conservation, physicochemical variation, residue mobility, and thermodynamic stability) indicates that this missense variant is not expected to disrupt ELN protein function with a negative predictive value of 80%. Algorithms developed to predict the effect of sequence changes on RNA splicing suggest that this variant may disrupt the consensus splice site. For these reasons, this variant has been classified as Pathogenic.

NM_000501.4(ELN):c.1618C>G (p.Leu540Val)

Genes: ELN-AS1 (ELN antisense RNA 1; minus strand), ELN (elastin; plus strand). Cytogenetic location: 7q11.23.
Variant type: single nucleotide variant.
Coding change: c.1618C>G on transcript NM_000501.4 (MANE Select); coding-DNA position 1618, C replaced by G.
Protein change: p.Leu540Val; replaces leucine 540 with valine.
Molecular consequence: missense variant. On other transcripts: intron variant (1).
Genome position (GRCh38, 1-based): chr7:74,060,181, C>G. VCF-style: chr7-74060181-C-G. GRCh37 (hg19) VCF-style: chr7-73474511-C-G.
Other names: c.1531C>G, p.Leu511Val (NM_001081752.3); c.1576C>G, p.Leu526Val (NM_001081753.3); c.1633C>G, p.Leu545Val (NM_001081754.3); c.1561C>G, p.Leu521Val (NM_001081755.3); c.1618C>G, p.Leu540Val (NM_001278912.2); c.1375C>G, p.Leu459Val (NM_001278913.2); c.1546C>G, p.Leu516Val (NM_001278914.2); c.1636C>G, p.Leu546Val (NM_001278915.2); and 4 more; short protein forms L540V, L451V, L459V, L526V, L545V, L569V, L516V, L521V.
Identifiers: ClinVar variation 3661346 (VCV003661346.2).
Genomic context (GRCh38, chr7:74,060,181, plus strand): 5'-CTCTCTCTCCCTCCCTCAGCTGCAGCAAAATCCGCTGCCAAGGTGGCTGCCAAAGCCCAG[C>G]TCCGTGAGTGCCTCGCCCACCTTTCTCTCCTCTCCCCAACGATCTCAGAGCTGGTTAGGG-3'
Protein context (NP_000492.2, residues 530-550): SAAKVAAKAQ[Leu540Val]RAAAGLGAGI